The following is an entry in ClinVar:

ClinVar aggregate classification (germline): Uncertain significance (1 of 4 stars; one submission).

Allele frequency attached by ClinVar (database versions not stated): gnomAD exomes below 0.00001; TOPMed below 0.00001; ExAC 0.00001.
gnomAD v4.1: 2 of 1,612,406 alleles (0.00012%); highest among the groups gnomAD compares: South Asian, 0.0022%; no homozygotes.

Submission:

Labcorp Genetics (formerly Invitae), Labcorp
Classification: Uncertain significance. Last evaluated: 2022-10-13. Review status: criteria provided, single submitter. Criteria: Invitae Variant Classification Sherloc (09022015). Collection method: clinical testing. Allele origin: germline.
Comment: This sequence change replaces alanine, which is neutral and non-polar, with aspartic acid, which is acidic and polar, at codon 1392 of the MYO7A protein (p.Ala1392Asp). This variant is present in population databases (rs753419655, gnomAD 0.007%). This variant has not been reported in the literature in individuals affected with MYO7A-related conditions. Advanced modeling of protein sequence and biophysical properties (such as structural, functional, and spatial information, amino acid conservation, physicochemical variation, residue mobility, and thermodynamic stability) has been performed at Invitae for this missense variant, however the output from this modeling did not meet the statistical confidence thresholds required to predict the impact of this variant on MYO7A protein function. In summary, the available evidence is currently insufficient to determine the role of this variant in disease. Therefore, it has been classified as a Variant of Uncertain Significance.

NM_000260.4(MYO7A):c.4175C>A (p.Ala1392Asp)

Gene: MYO7A (myosin VIIA; plus strand). Cytogenetic location: 11q13.5.
Variant type: single nucleotide variant.
Coding change: c.4175C>A on transcript NM_000260.4 (MANE Select); coding-DNA position 4175, C replaced by A.
Protein change: p.Ala1392Asp; replaces alanine 1392 with aspartic acid.
Molecular consequence: missense variant.
Genome position (GRCh38, 1-based): chr11:77,194,376, C>A. VCF-style: chr11-77194376-C-A. GRCh37 (hg19) VCF-style: chr11-76905421-C-A.
Other names: c.4175C>A, p.Ala1392Asp (NM_001127180.2); c.4142C>A, p.Ala1381Asp (NM_001369365.1); short protein forms A1381D, A1392D.
Identifiers: ClinVar variation 2109613 (VCV002109613.4), dbSNP rs753419655, ClinGen allele CA6198368.